The following is an entry in ClinVar:

NM_178161.3(PTF1A):c.532del (p.Ser178fs)

Gene: PTF1A (pancreas associated transcription factor 1a; plus strand). Cytogenetic location: 10p12.2.
Variant type: Deletion.
Coding change: c.532del on transcript NM_178161.3 (MANE Select); coding-DNA position 532, one base deleted (T; older notation c.532delT).
Protein change: p.Ser178fs; shifts the reading frame from serine 178.
Molecular consequence: frameshift variant.
Genome position (GRCh38, 1-based): chr10:23,193,062, T deleted. VCF-style (leftmost placement, unchanged base first): chr10-23193061-GT-G. GRCh37 (hg19) VCF-style: chr10-23481990-GT-G.
Other names: short protein forms S178fs.
Identifiers: ClinVar variation 1338531 (VCV001338531.4), dbSNP rs2131680472, ClinGen allele CA2573053260.

ClinVar aggregate classification (germline): Likely pathogenic (1 of 4 stars; one submission).

Submission:

Genetic Services Laboratory, University of Chicago
Classification: Likely pathogenic. Last evaluated: 2019-07-10. Review status: criteria provided, single submitter. Criteria: ACMG Guidelines, 2015. Collection method: clinical testing. Allele origin: germline. Affected: yes.
Comment: DNA sequence analysis of the PTF1A gene demonstrated a single base pair deletion in exon 1, c.532del. This likely pathogenic sequence change results in an amino acid frameshift and creates a premature stop codon 98 amino acids downstream of the mutation, p.Ser178Profs*99. The p.Ser178Profs*99 sequence change is absent from large population databases such as ExAC and gnomAD. This likely pathogenic sequence change is predicted to result in an abnormal transcript, which may be degraded, or may lead to the production of a truncated PTF1A protein with potentially abnormal function. Other truncating variants have been reported in patients with PTF1A-related disorders (PMIDs: 15543146, 19650412). This sequence change is likely pathogenic; however, functional studies have not been completed to prove this conclusively.